The following is an entry in ClinVar:

NM_020937.4(FANCM):c.5144A>G (p.Gln1715Arg)

Gene: FANCM (FA complementation group M; plus strand). Cytogenetic location: 14q21.2.
Variant type: single nucleotide variant.
Coding change: c.5144A>G on transcript NM_020937.4 (MANE Select); coding-DNA position 5144, A replaced by G.
Protein change: p.Gln1715Arg; replaces glutamine 1715 with arginine.
Molecular consequence: missense variant.
Genome position (GRCh38, 1-based): chr14:45,189,166, A>G. VCF-style: chr14-45189166-A-G. GRCh37 (hg19) VCF-style: chr14-45658369-A-G.
Other names: c.5066A>G, p.Gln1689Arg (NM_001308133.2); short protein forms Q1715R, Q1689R.
Identifiers: ClinVar variation 4844566 (VCV004844566.1).
Genomic context (GRCh38, chr14:45,189,166, plus strand): 5'-TTAAGAAGAACAAACAACAGGACCATTGTTTAAATTCAGTGCCTTCTGGATCTTCTGCGC[A>G]GTCCAAGGTGCGTTCTACTCCAAGAGTTAATCCATTAGCAAAGCAGAGCAAACAGACATC-3'
Protein context (NP_065988.1, residues 1705-1725): LNSVPSGSSA[Gln1715Arg]SKVRSTPRVN

ClinVar aggregate classification (germline): Uncertain significance (1 of 4 stars; one submission).

Conditions:
Inborn genetic diseases. Identifiers: MedGen C0950123, MeSH D030342.

Submission:

Ambry Genetics
Classification: Uncertain significance for Inborn genetic diseases. Last evaluated: 2026-02-16. Review status: criteria provided, single submitter. Criteria: Ambry Variant Classification Scheme 2023. Collection method: clinical testing. Allele origin: germline.
Comment: The p.Q1715R variant (also known as c.5144A>G), located in coding exon 20 of the FANCM gene, results from an A to G substitution at nucleotide position 5144. The glutamine at codon 1715 is replaced by arginine, an amino acid with highly similar properties. This amino acid position is conserved. In addition, this alteration is predicted to be tolerated by in silico analysis. Based on the available evidence, the clinical significance of this variant remains unclear.